The following is an entry in ClinVar:

ClinVar aggregate classification (germline): Uncertain significance. Review status: criteria provided, multiple submitters, no conflicts (2 of 4 stars). 3 submissions from 3 submitters: Uncertain significance (3). Last evaluated 2025-08-01.

Conditions:
Inborn genetic diseases. Identifiers: MedGen C0950123, MeSH D030342.

Allele frequency attached by ClinVar (database versions not stated): ExAC 0.00010; ESP Exome Variant Server 0.00015.
gnomAD v4.1: 143 of 1,613,230 alleles (0.0089%); highest among the groups gnomAD compares: Middle Eastern, 0.066%; no homozygotes.

Submissions (3):

Ambry Genetics
Classification: Uncertain significance for Inborn genetic diseases. Last evaluated: 2025-08-01. Review status: criteria provided, single submitter. Criteria: Ambry Variant Classification Scheme 2023. Collection method: clinical testing. Allele origin: germline.

Blueprint Genetics
Classification: Uncertain significance. Last evaluated: 2024-11-20. Review status: criteria provided, single submitter. Criteria: ACMG Guidelines, 2015. Collection method: clinical testing. Allele origin: germline.

Labcorp Genetics (formerly Invitae), Labcorp
Classification: Uncertain significance. Last evaluated: 2022-07-19. Review status: criteria provided, single submitter. Criteria: Invitae Variant Classification Sherloc (09022015). Collection method: clinical testing. Allele origin: germline.
Comment: This sequence change replaces arginine, which is basic and polar, with cysteine, which is neutral and slightly polar, at codon 366 of the MIPEP protein (p.Arg366Cys). This variant is present in population databases (rs149545169, gnomAD 0.05%). This variant has not been reported in the literature in individuals affected with MIPEP-related conditions. Algorithms developed to predict the effect of missense changes on protein structure and function (SIFT, PolyPhen-2, Align-GVGD) all suggest that this variant is likely to be disruptive. Algorithms developed to predict the effect of sequence changes on RNA splicing suggest that this variant may disrupt the consensus splice site. In summary, the available evidence is currently insufficient to determine the role of this variant in disease. Therefore, it has been classified as a Variant of Uncertain Significance.

NM_005932.4(MIPEP):c.1096C>T (p.Arg366Cys)

Gene: MIPEP (mitochondrial intermediate peptidase; minus strand). Cytogenetic location: 13q12.12.
Variant type: single nucleotide variant.
Coding change: c.1096C>T on transcript NM_005932.4 (MANE Select); coding-DNA position 1096, C replaced by T.
Protein change: p.Arg366Cys; replaces arginine 366 with cysteine.
Molecular consequence: missense variant.
Genome position (GRCh38, 1-based): chr13:23,858,870, G>A on the plus strand (C>T on the coding strand, the complement: MIPEP is on the minus strand). VCF-style: chr13-23858870-G-A. GRCh37 (hg19) VCF-style: chr13-24433009-G-A.
Other names: c.1096C>T (NM_005932.3); short protein forms R366C.
Identifiers: ClinVar variation 2071273 (VCV002071273.5), dbSNP rs149545169, ClinGen allele CA6913116.
Genomic context (GRCh38, chr13:23,858,870, plus strand): 5'-ATTAGTTTCCTTTTTCCTTTTCCTGTACGGGTATTTCTTGAAAAACTTACCTTTCTGCAC[G>A]AATCACACCACTGTAGTAAGGGGGGTCCCAGGGCATTACTTCCTACAATGGAATAATTCA-3'
Protein context (NP_005923.3, residues 356-376): WDPPYYSGVI[Arg366Cys]AERYNIEPSL